The following is an entry in ClinVar:

NM_001368397.1(FRMPD4):c.2156T>C (p.Ile719Thr)

Gene: FRMPD4 (FERM and PDZ domain containing 4; plus strand). Cytogenetic location: Xp22.2.
Variant type: single nucleotide variant.
Coding change: c.2156T>C on transcript NM_001368397.1 (MANE Select); coding-DNA position 2156, T replaced by C.
Protein change: p.Ile719Thr; replaces isoleucine 719 with threonine.
Molecular consequence: missense variant.
Genome position (GRCh38, 1-based): chrX:12,716,615, T>C. VCF-style: chrX-12716615-T-C. GRCh37 (hg19) VCF-style: chrX-12734734-T-C.
Other names: c.2267T>C, p.Ile756Thr (NM_001368395.3, NM_001368398.3); c.2162T>C, p.Ile721Thr (NM_001368396.3); c.2147T>C, p.Ile716Thr (NM_001368399.3); c.2036T>C, p.Ile679Thr (NM_001368400.3); c.2132T>C, p.Ile711Thr (NM_001368401.1, NM_001368402.3); c.2156T>C, p.Ile719Thr (NM_014728.3); short protein forms I679T, I711T, I716T, I719T, I721T, I756T.
Identifiers: ClinVar variation 1303705 (VCV001303705.2), dbSNP rs2042088903, ClinGen allele CA412311048.

ClinVar aggregate classification (germline): Uncertain significance (1 of 4 stars; one submission).

Allele frequency attached by ClinVar (database versions not stated): gnomAD exomes 0.00001; TOPMed 0.00001.
gnomAD v4.1: 11 of 1,211,405 alleles (0.00091%); highest among the groups gnomAD compares: Non-Finnish European, 0.0012%; no homozygotes.

Submission:

GeneDx
Classification: Uncertain significance. Last evaluated: 2021-06-04. Review status: criteria provided, single submitter. Criteria: GeneDx Variant Classification Process June 2021. Collection method: clinical testing. Allele origin: germline. Affected: yes.
Comment: Not observed at significant frequency in large population cohorts (Lek et al., 2016); In silico analysis supports that this missense variant does not alter protein structure/function; Has not been previously published as pathogenic or benign to our knowledge; This variant is associated with the following publications: (PMID: 27535533)